The following is an entry in ClinVar:

ClinVar aggregate classification (germline): Likely benign (0 of 4 stars; one submission).

Conditions:
PLXNA4-related disorder. Also called: PLXNA4-related condition.

gnomAD v4.1: 9 of 1,553,152 alleles (0.00058%); highest among the groups gnomAD compares: African/African-American, 0.0095%; no homozygotes.

Submission:

PreventionGenetics, part of Exact Sciences
Classification: Likely benign for PLXNA4-related condition. Last evaluated: 2023-07-19. Review status: no assertion criteria provided. Collection method: clinical testing. Allele origin: germline.
Comment: This variant is classified as likely benign based on ACMG/AMP sequence variant interpretation guidelines (Richards et al. 2015 PMID: 25741868, with internal and published modifications).

NM_020911.2(PLXNA4):c.27C>G (p.Thr9=)

Gene: PLXNA4 (plexin A4; minus strand). Cytogenetic location: 7q32.3.
Variant type: single nucleotide variant.
Coding change: c.27C>G on transcript NM_020911.2 (MANE Select); coding-DNA position 27, C replaced by G.
Protein change: p.Thr9=; no amino-acid change (threonine 9 retained).
Molecular consequence: synonymous variant.
Genome position (GRCh38, 1-based): chr7:132,508,667, G>C on the plus strand (C>G on the coding strand, the complement: PLXNA4 is on the minus strand). VCF-style: chr7-132508667-G-C. GRCh37 (hg19) VCF-style: chr7-132193426-G-C.
Other names: c.27C>G, p.Thr9= (NM_001105543.2, NM_001393897.1, NM_181775.4).
Identifiers: ClinVar variation 3352528 (VCV003352528.1).
Genomic context (GRCh38, chr7:132,508,667, plus strand): 5'-CTGCCGGGTGAGCAAAGTGGAGGAGCCCATGCCCACCATGAGGAGGTGGGAGAGAAGGCA[G>C]GTCCAGTTCCAGGGCATGGCTTTCATGGCAGAGGCGGGTCCCAGTGGCACAGCAGCACTC-3'
Protein context (NP_065962.1, residues 1-19): MKAMPWNW[Thr9=]CLLSHLLMVG